The following is an entry in ClinVar:

NM_020719.3(PRR12):c.2517A>C (p.Pro839=)

Gene: PRR12 (proline rich 12; plus strand). Cytogenetic location: 19q13.33.
Variant type: single nucleotide variant.
Coding change: c.2517A>C on transcript NM_020719.3 (MANE Select); coding-DNA position 2517, A replaced by C.
Protein change: p.Pro839=; no amino-acid change (proline 839 retained).
Molecular consequence: synonymous variant.
Genome position (GRCh38, 1-based): chr19:49,596,852, A>C. VCF-style: chr19-49596852-A-C. GRCh37 (hg19) VCF-style: chr19-50100109-A-C.
Identifiers: ClinVar variation 2650261 (VCV002650261.24), dbSNP rs761953445, ClinGen allele CA9578128.
Genomic context (GRCh38, chr19:49,596,852, plus strand): 5'-CGGCGTCCACCTCCTTGAGCCAGCCACCCGCGATGGGGCACCCCAGCCACCTCCACCGCC[A>C]CCCCCGCCTCCACCACCCATGCCCCTGCAGCTCGAGGCCCACCTCCGCAGCCATGGCCTG-3'
Protein context (NP_065770.1, residues 829-849): RDGAPQPPPP[Pro839=]PPPPPPMPLQ

ClinVar aggregate classification (germline): Likely benign (1 of 4 stars; one submission).

Allele frequency attached by ClinVar (database versions not stated): ExAC 0.00022.

Submission:

CeGaT Center for Human Genetics Tuebingen
Classification: Likely benign. Last evaluated: 2022-11-01. Review status: criteria provided, single submitter. Criteria: CeGaT Center For Human Genetics Tuebingen Variant Classification Criteria Version 2. Collection method: clinical testing. Allele origin: germline. Affected: yes. Observed: 2 variant alleles.
Comment: PRR12: BP4, BP7